The following is an entry in ClinVar:

NM_006516.4(SLC2A1):c.606C>G (p.Ile202Met)

Gene: SLC2A1 (solute carrier family 2 member 1; minus strand). Cytogenetic location: 1p34.2.
Variant type: single nucleotide variant.
Coding change: c.606C>G on transcript NM_006516.4 (MANE Select); coding-DNA position 606, C replaced by G.
Protein change: p.Ile202Met; replaces isoleucine 202 with methionine.
Molecular consequence: missense variant.
Genome position (GRCh38, 1-based): chr1:42,929,946, G>C on the plus strand (C>G on the coding strand, the complement: SLC2A1 is on the minus strand). VCF-style: chr1-42929946-G-C. GRCh37 (hg19) VCF-style: chr1-43395617-G-C.
Other names: short protein forms I202M.
Identifiers: ClinVar variation 1007021 (VCV001007021.9), dbSNP rs779779804, ClinGen allele CA803492.
Genomic context (GRCh38, chr1:42,929,946, plus strand): 5'-GTTCTCCTCGTTGCGGTTGATGAGCAGGAAGCGGGGACTCTCGGGGCAGAAGGGCAGCAC[G>C]ATGCACTGCAGCAGGGCCGGGATGAAGATGATGCTCAGCAGCAGGGGCCACAGGTCCTTG-3'
Protein context (NP_006507.2, residues 192-212): IIFIPALLQC[Ile202Met]VLPFCPESPR

ClinVar aggregate classification (germline): Uncertain significance (1 of 4 stars; one submission).

Conditions:
GLUT1 deficiency syndrome 1, autosomal recessive. Identifiers: MedGen C3149117.

gnomAD v4.1: 4 of 1,614,148 alleles (0.00025%); highest among the groups gnomAD compares: Non-Finnish European, 0.00034%; no homozygotes.

Submission:

Labcorp Genetics (formerly Invitae), Labcorp
Classification: Uncertain significance for GLUT1 deficiency syndrome 1, autosomal recessive. Last evaluated: 2021-02-24. Review status: criteria provided, single submitter. Criteria: Invitae Variant Classification Sherloc (09022015). Collection method: clinical testing. Allele origin: germline.
Comment: This sequence change replaces isoleucine with methionine at codon 202 of the SLC2A1 protein (p.Ile202Met). The isoleucine residue is moderately conserved and there is a small physicochemical difference between isoleucine and methionine. This variant is present in population databases (rs779779804, ExAC 0.003%). This variant has not been reported in the literature in individuals with SLC2A1-related conditions. Algorithms developed to predict the effect of missense changes on protein structure and function are either unavailable or do not agree on the potential impact of this missense change (SIFT: "Tolerated"; PolyPhen-2: "Possibly Damaging"; Align-GVGD: "Class C0"). In summary, the available evidence is currently insufficient to determine the role of this variant in disease. Therefore, it has been classified as a Variant of Uncertain Significance.